The following is an entry in ClinVar:

ClinVar aggregate classification (germline): Uncertain significance (1 of 4 stars; one submission).

Submission:

GeneDx
Classification: Uncertain significance. Last evaluated: 2025-04-26. Review status: criteria provided, single submitter. Criteria: GeneDx Variant Classification Process June 2021. Collection method: clinical testing. Allele origin: germline.
Comment: In silico analysis supports that this missense variant has a deleterious effect on protein structure/function; Not observed at significant frequency in large population cohorts (gnomAD); Has not been previously published as pathogenic or benign to our knowledge

NM_021072.4(HCN1):c.948G>T (p.Gln316His)

Gene: HCN1 (hyperpolarization activated cyclic nucleotide gated potassium channel 1; minus strand). Cytogenetic location: 5p12.
Variant type: single nucleotide variant.
Coding change: c.948G>T on transcript NM_021072.4 (MANE Select); coding-DNA position 948, G replaced by T.
Protein change: p.Gln316His; replaces glutamine 316 with histidine.
Molecular consequence: missense variant.
Genome position (GRCh38, 1-based): chr5:45,461,909, C>A on the plus strand (G>T on the coding strand, the complement: HCN1 is on the minus strand). VCF-style: chr5-45461909-C-A. GRCh37 (hg19) VCF-style: chr5-45462011-C-A.
Other names: short protein forms Q316H.
Identifiers: ClinVar variation 1703343 (VCV001703343.3), dbSNP rs2478145125, ClinGen allele CA359704888.
Genomic context (GRCh38, chr5:45,461,909, plus strand): 5'-CATTTCATTTAAAGACACCCAGCAATCTGGTGGGAAGTCCTGCAGTAGTGGTACTAAGAA[C>A]TGAAGACAACCATCCCAGTGGCACAGGAGCAGCATCATGCCGATGAGATTAAAAATTCTC-3'
Protein context (NP_066550.2, residues 306-326): LLLCHWDGCL[Gln316His]FLVPLLQDFP